The following is an entry in ClinVar:

NM_000182.5(HADHA):c.321del (p.Ala108fs)

Gene: HADHA (hydroxyacyl-CoA dehydrogenase trifunctional multienzyme complex subunit alpha; minus strand). Cytogenetic location: 2p23.3.
Variant type: Deletion.
Coding change: c.321del on transcript NM_000182.5 (MANE Select); coding-DNA position 321, one base deleted (A; older notation c.321delA).
Protein change: p.Ala108fs; shifts the reading frame from alanine 108.
Molecular consequence: frameshift variant.
Genome position (GRCh38, 1-based): chr2:26,234,349, T deleted on the plus strand (A on the coding strand, the reverse complement: HADHA is on the minus strand). VCF-style (leftmost placement, unchanged base first): chr2-26234348-CT-C. GRCh37 (hg19) VCF-style: chr2-26457216-CT-C.
Other names: short protein forms A108fs.
Identifiers: ClinVar variation 5011686 (VCV005011686.1).

ClinVar aggregate classification (germline): Pathogenic (1 of 4 stars; one submission).

Conditions:
Long chain 3-hydroxyacyl-CoA dehydrogenase deficiency. Also called: Deficiency of long-chain 3-hydroxyacyl-coenzyme A dehydrogenase; LCHAD Deficiency. Identifiers: Orphanet 5, MedGen C3711645, MONDO:0012173, OMIM 609016.

Submission:

Myriad Genetics, Inc.
Classification: Pathogenic for Long chain 3-hydroxyacyl-CoA dehydrogenase deficiency. Last evaluated: 2023-09-17. Review status: criteria provided, single submitter. Criteria: Myriad Autosomal Dominant, Autosomal Recessive and X-Linked Classification Criteria (2023). Collection method: clinical testing. Allele origin: unknown.
Comment: NM_000182.4(HADHA):c.321delA(A108Pfs*9) is expected to be pathogenic in the context of HADHA-related disorders. This variant is predicted to lead to an abnormal or absent protein product due to the creation of a premature termination codon in HADHA, a gene where loss-of-function variants are known to be pathogenic. Please note: this variant was assessed in the context of healthy population screening.